The following is an entry in ClinVar:

NM_007286.6(SYNPO):c.2314C>A (p.Pro772Thr)

Gene: SYNPO (synaptopodin; plus strand). Cytogenetic location: 5q33.1.
Variant type: single nucleotide variant.
Coding change: c.2314C>A on transcript NM_007286.6 (MANE Select); coding-DNA position 2314, C replaced by A.
Protein change: p.Pro772Thr; replaces proline 772 with threonine.
Molecular consequence: missense variant.
Genome position (GRCh38, 1-based): chr5:150,656,689, C>A. VCF-style: chr5-150656689-C-A. GRCh37 (hg19) VCF-style: chr5-150036251-C-A.
Other names: short protein forms P772T.
Identifiers: ClinVar variation 4747894 (VCV004747894.1).

ClinVar aggregate classification (germline): Uncertain significance (1 of 4 stars; one submission).

gnomAD v4.1: 5 of 1,457,694 alleles (0.00034%); highest among the groups gnomAD compares: Non-Finnish European, 0.00045%; no homozygotes.

Submission:

Labcorp Genetics (formerly Invitae), Labcorp
Classification: Uncertain significance. Last evaluated: 2025-12-09. Review status: criteria provided, single submitter. Criteria: Invitae Variant Classification Sherloc (09022015). Collection method: clinical testing. Allele origin: germline.
Comment: This sequence change replaces proline, which is neutral and non-polar, with threonine, which is neutral and polar, at codon 772 of the SYNPO protein (p.Pro772Thr). The frequency data for this variant in the population databases is considered unreliable, as metrics indicate poor data quality at this position in the gnomAD database. This variant has not been reported in the literature in individuals affected with SYNPO-related conditions. An algorithm developed to predict the effect of missense changes on protein structure and function (PolyPhen-2) suggests that this variant is likely to be disruptive. In summary, the available evidence is currently insufficient to determine the role of this variant in disease. Therefore, it has been classified as a Variant of Uncertain Significance.